The following is an entry in ClinVar:

NM_018990.4(SASH3):c.978C>T (p.Gly326=)

Gene: SASH3 (SAM and SH3 domain containing 3; plus strand). Cytogenetic location: Xq26.1.
Variant type: single nucleotide variant.
Coding change: c.978C>T on transcript NM_018990.4 (MANE Select); coding-DNA position 978, C replaced by T.
Protein change: p.Gly326=; no amino-acid change (glycine 326 retained).
Molecular consequence: synonymous variant.
Genome position (GRCh38, 1-based): chrX:129,793,667, C>T. VCF-style: chrX-129793667-C-T. GRCh37 (hg19) VCF-style: chrX-128927643-C-T.
Identifiers: ClinVar variation 2661404 (VCV002661404.24), dbSNP rs370063079, ClinGen allele CA10513355.

ClinVar aggregate classification (germline): Likely benign (1 of 4 stars; one submission).

Allele frequency attached by ClinVar (database versions not stated): gnomAD exomes 0.00003; gnomAD 0.00005; TOPMed 0.00005; ExAC 0.00006; ESP Exome Variant Server 0.00009.

Submission:

CeGaT Center for Human Genetics Tuebingen
Classification: Likely benign. Last evaluated: 2022-07-01. Review status: criteria provided, single submitter. Criteria: CeGaT Center For Human Genetics Tuebingen Variant Classification Criteria Version 2. Collection method: clinical testing. Allele origin: germline. Affected: yes. Observed: 1 variant allele.
Comment: SASH3: BP4, BP7